The following is an entry in ClinVar:

ClinVar aggregate classification (germline): Likely benign. Review status: criteria provided, single submitter (1 of 4 stars). 2 submissions from 2 submitters: Likely benign (1). 1 of the submissions does not count toward it. Last evaluated 2026-02-02.

Conditions:
JAK3-related disorder. Also called: JAK3-related condition.
T-B+ severe combined immunodeficiency due to JAK3 deficiency. Also called: SCID, autosomal recessive, T-negative/B-positive type; SCID, T CELL-NEGATIVE, B CELL-POSITIVE, NK CELL-NEGATIVE. Identifiers: Orphanet 35078, MedGen C1833275, MONDO:0010938, OMIM 600802.

Allele frequency attached by ClinVar (database versions not stated): ExAC 0.00001; gnomAD exomes 0.00001; gnomAD 0.00008 and 0.00011; TOPMed 0.00032; 1000 Genomes Project 30x 0.00047; 1000 Genomes Project 0.00060.

Submissions (2):

Labcorp Genetics (formerly Invitae), Labcorp
Classification: Likely benign for T-B+ severe combined immunodeficiency due to JAK3 deficiency. Last evaluated: 2026-02-02. Review status: criteria provided, single submitter. Criteria: Invitae Variant Classification Sherloc (09022015). Collection method: clinical testing. Allele origin: germline.

PreventionGenetics, part of Exact Sciences
Classification: Likely benign for JAK3-related condition. Last evaluated: 2024-01-24. Review status: no assertion criteria provided. Collection method: clinical testing. Allele origin: germline. Not counted in ClinVar's aggregate classification.
Comment: This variant is classified as likely benign based on ACMG/AMP sequence variant interpretation guidelines (Richards et al. 2015 PMID: 25741868, with internal and published modifications).

NM_000215.4(JAK3):c.2673T>C (p.Tyr891=)

Gene: JAK3 (Janus kinase 3; minus strand). Cytogenetic location: 19p13.11.
Variant type: single nucleotide variant.
Coding change: c.2673T>C on transcript NM_000215.4 (MANE Select); coding-DNA position 2673, T replaced by C.
Protein change: p.Tyr891=; no amino-acid change (tyrosine 891 retained).
Molecular consequence: synonymous variant.
Genome position (GRCh38, 1-based): chr19:17,832,526, A>G on the plus strand (T>C on the coding strand, the complement: JAK3 is on the minus strand). VCF-style: chr19-17832526-A-G. GRCh37 (hg19) VCF-style: chr19-17943335-A-G.
Other names: c.2673T>C (NM_000215.3).
Identifiers: ClinVar variation 1105284 (VCV001105284.11), dbSNP rs201537885, ClinGen allele CA9301558.